The following is an entry in ClinVar:

NM_024301.5(FKRP):c.838G>A (p.Glu280Lys)

Gene: FKRP (fukutin related protein; plus strand). Cytogenetic location: 19q13.32.
Variant type: single nucleotide variant.
Coding change: c.838G>A on transcript NM_024301.5 (MANE Select); coding-DNA position 838, G replaced by A.
Protein change: p.Glu280Lys; replaces glutamic acid 280 with lysine.
Molecular consequence: missense variant.
Genome position (GRCh38, 1-based): chr19:46,756,288, G>A. VCF-style: chr19-46756288-G-A. GRCh37 (hg19) VCF-style: chr19-47259545-G-A.
Other names: c.838G>A, p.Glu280Lys (NM_001039885.3); short protein forms E280K.
Identifiers: ClinVar variation 854085 (VCV000854085.8), dbSNP rs2054920081, ClinGen allele CA406496111.

ClinVar aggregate classification (germline): Uncertain significance. Review status: criteria provided, multiple submitters, no conflicts (2 of 4 stars). 2 submissions from 2 submitters: Uncertain significance (2). Last evaluated 2022-10-25.

Conditions:
Walker-Warburg congenital muscular dystrophy. Also called: Muscular dystrophy-dystroglycanopathy, type A; Walker-Warburg syndrome. Identifiers: Orphanet 899, MedGen C0265221, MONDO:0000171.
Muscular dystrophy-dystroglycanopathy (congenital with brain and eye anomalies), type A5. Also called: WALKER-WARBURG SYNDROME OR MUSCLE-EYE-BRAIN DISEASE, FKRP-RELATED; MUSCULAR DYSTROPHY-DYSTROGLYCANOPATHY (CONGENITAL WITH BRAIN AND EYE ANOMALIES), TYPE A, 5. Identifiers: Orphanet 588, Orphanet 899, MedGen C3150413, MONDO:0013157, OMIM 613153.
Muscular dystrophy-dystroglycanopathy type B5 (MDDGB5). Also called: MUSCULAR DYSTROPHY, CONGENITAL, 1C; MUSCULAR DYSTROPHY, CONGENITAL, FKRP-RELATED; MUSCULAR DYSTROPHY-DYSTROGLYCANOPATHY (CONGENITAL WITH OR WITHOUT IMPAIRED INTELLECTUAL DEVELOPMENT), TYPE B, 5. Identifiers: MedGen C1847759, MONDO:0011688, OMIM 606612.
Autosomal recessive limb-girdle muscular dystrophy type 2I. Also called: MUSCULAR DYSTROPHY-DYSTROGLYCANOPATHY, LIMB-GIRDLE, FRKP-RELATED; MUSCULAR DYSTROPHY, LIMB-GIRDLE, TYPE 2I; MUSCULAR DYSTROPHY-DYSTROGLYCANOPATHY (LIMB-GIRDLE), TYPE C, 5. Identifiers: Orphanet 34515, MedGen C1846672, MONDO:0011787, OMIM 607155.
Muscular dystrophy-dystroglycanopathy (congenital with brain and eye anomalies), type A1 (MDDGA1). Also called: COD-MD SYNDROME; WALKER-WARBURG SYNDROME OR MUSCLE-EYE-BRAIN DISEASE, POMT1-RELATED; Hydrocephalus, agyria and retinal dysplasia; Hard +/- E syndrome; Warburg syndrome; Chemke syndrome. Identifiers: Orphanet 588, Orphanet 899, MedGen C4284790, MONDO:0009364, OMIM 236670.

Allele frequency attached by ClinVar (database versions not stated): gnomAD exomes below 0.00001.
gnomAD v4.1: 3 of 1,528,554 alleles (0.0002%); highest among the groups gnomAD compares: Non-Finnish European, 0.00026%; no homozygotes.

Submissions (2):

Labcorp Genetics (formerly Invitae), Labcorp
Classification: Uncertain significance for Walker-Warburg congenital muscular dystrophy. Last evaluated: 2022-10-25. Review status: criteria provided, single submitter. Criteria: Invitae Variant Classification Sherloc (09022015). Collection method: clinical testing. Allele origin: germline.
Comment: This sequence change replaces glutamic acid, which is acidic and polar, with lysine, which is basic and polar, at codon 280 of the FKRP protein (p.Glu280Lys). This variant is not present in population databases (gnomAD no frequency). This variant has not been reported in the literature in individuals affected with FKRP-related conditions. ClinVar contains an entry for this variant (Variation ID: 854085). Algorithms developed to predict the effect of missense changes on protein structure and function (SIFT, PolyPhen-2, Align-GVGD) all suggest that this variant is likely to be tolerated. In summary, the available evidence is currently insufficient to determine the role of this variant in disease. Therefore, it has been classified as a Variant of Uncertain Significance.

Fulgent Genetics
Classification: Uncertain significance for Muscular dystrophy-dystroglycanopathy (congenital with brain and eye anomalies), type A1; Muscular dystrophy-dystroglycanopathy type B5; Autosomal recessive limb-girdle muscular dystrophy type 2I; Muscular dystrophy-dystroglycanopathy (congenital with brain and eye anomalies), type A5. Last evaluated: 2021-11-16. Review status: criteria provided, single submitter. Criteria: ACMG Guidelines, 2015. Collection method: clinical testing. Allele origin: unknown.